The following is an entry in ClinVar:

NM_000171.4(GLRA1):c.310A>G (p.Asn104Asp)

Gene: GLRA1 (glycine receptor alpha 1; minus strand). Cytogenetic location: 5q33.1.
Variant type: single nucleotide variant.
Coding change: c.310A>G on transcript NM_000171.4 (MANE Select); coding-DNA position 310, A replaced by G.
Protein change: p.Asn104Asp; replaces asparagine 104 with aspartic acid.
Molecular consequence: missense variant.
Genome position (GRCh38, 1-based): chr5:151,859,951, T>C on the plus strand (A>G on the coding strand, the complement: GLRA1 is on the minus strand). VCF-style: chr5-151859951-T-C. GRCh37 (hg19) VCF-style: chr5-151239512-T-C.
Other names: c.310A>G, p.Asn104Asp (NM_001146040.2); c.61A>G, p.Asn21Asp (NM_001292000.2); short protein forms N104D, N21D.
Identifiers: ClinVar variation 3903115 (VCV003903115.1).

ClinVar aggregate classification (germline): Uncertain significance (1 of 4 stars; one submission).

gnomAD v4.1: 1 of 1,614,114 alleles (0.000062%); highest among the groups gnomAD compares: Non-Finnish European, 0.000085%; no homozygotes.

Submission:

GeneDx
Classification: Uncertain significance. Last evaluated: 2024-12-16. Review status: criteria provided, single submitter. Criteria: GeneDx Variant Classification Process June 2021. Collection method: clinical testing. Allele origin: germline. Affected: yes.
Comment: Not observed at significant frequency in large population cohorts (gnomAD); In silico analysis indicates that this missense variant does not alter protein structure/function; Has not been previously published as pathogenic or benign to our knowledge